The following is an entry in ClinVar:

NM_001165963.4(SCN1A):c.5096T>C (p.Val1699Ala)

Genes: SCN1A (sodium voltage-gated channel alpha subunit 1; minus strand), LOC102724058 (uncharacterized LOC102724058; plus strand). Cytogenetic location: 2q24.3.
Variant type: single nucleotide variant.
Coding change: c.5096T>C on transcript NM_001165963.4 (MANE Select); coding-DNA position 5096, T replaced by C.
Protein change: p.Val1699Ala; replaces valine 1699 with alanine.
Molecular consequence: missense variant. On other transcripts: non-coding transcript variant (1).
Genome position (GRCh38, 1-based): chr2:165,992,179, A>G on the plus strand (T>C on the coding strand, the complement: SCN1A is on the minus strand). VCF-style: chr2-165992179-A-G. GRCh37 (hg19) VCF-style: chr2-166848689-A-G.
Other names: c.5012T>C, p.Val1671Ala (NM_001165964.3, NM_001353957.2, NM_001353958.2); c.5096T>C, p.Val1699Ala (NM_001202435.3, NM_001353948.2); c.5063T>C, p.Val1688Ala (NM_001353949.2, NM_001353950.2, NM_001353951.2 and 2 more transcripts); c.5060T>C, p.Val1687Ala (NM_001353954.2, NM_001353955.2); c.5009T>C, p.Val1670Ala (NM_001353960.2); c.2654T>C, p.Val885Ala (NM_001353961.2); short protein forms V1688A, V885A, V1699A, V1670A, V1671A, V1687A.
Identifiers: ClinVar variation 2892201 (VCV002892201.4), dbSNP rs773560347, ClinGen allele CA1942693.

ClinVar aggregate classification (germline): Uncertain significance. Review status: criteria provided, multiple submitters, no conflicts (2 of 4 stars). 2 submissions from 2 submitters: Uncertain significance (2). Last evaluated 2024-03-22.

Conditions:
Early-infantile DEE. Also called: Early infantile epileptic encephalopathy; Ohtahara syndrome; Early infantile epileptic encephalopathy with suppression bursts. Identifiers: Orphanet 1934, MedGen C0393706, MONDO:0800491.

Allele frequency attached by ClinVar (database versions not stated): ExAC 0.00001.
gnomAD v4.1: 5 of 1,613,848 alleles (0.00031%); highest among the groups gnomAD compares: Admixed American, 0.0017%; no homozygotes.

Submissions (2):

Labcorp Genetics (formerly Invitae), Labcorp
Classification: Uncertain significance for Early-infantile DEE. Last evaluated: 2024-03-22. Review status: criteria provided, single submitter. Criteria: Invitae Variant Classification Sherloc (09022015). Collection method: clinical testing. Allele origin: germline.
Comment: This sequence change replaces valine, which is neutral and non-polar, with alanine, which is neutral and non-polar, at codon 1699 of the SCN1A protein (p.Val1699Ala). This variant is present in population databases (rs773560347, gnomAD 0.003%). This variant has not been reported in the literature in individuals affected with SCN1A-related conditions. Advanced modeling of protein sequence and biophysical properties (such as structural, functional, and spatial information, amino acid conservation, physicochemical variation, residue mobility, and thermodynamic stability) performed at Invitae indicates that this missense variant is not expected to disrupt SCN1A protein function with a negative predictive value of 95%. In summary, the available evidence is currently insufficient to determine the role of this variant in disease. Therefore, it has been classified as a Variant of Uncertain Significance.

Blueprint Genetics
Classification: Uncertain significance. Last evaluated: 2021-07-06. Review status: criteria provided, single submitter. Criteria: ACMG Guidelines, 2015. Collection method: clinical testing. Allele origin: germline.